The following is an entry in ClinVar:

ClinVar aggregate classification (germline): Likely benign. Review status: criteria provided, multiple submitters, no conflicts (2 of 4 stars). 4 submissions from 4 submitters: Likely benign (3). 1 of the submissions does not count toward it. Last evaluated 2025-08-20.

Conditions:
BBS2-related disorder. Also called: BBS2-related condition; BBS2-related disorders. Identifiers: MedGen CN239228.
Bardet-Biedl syndrome (BBS). Identifiers: Orphanet 110, MedGen C0752166, MONDO:0015229.
Bardet-Biedl syndrome 2 (BBS2). Identifiers: Orphanet 110, MedGen C2936863, MONDO:0014432, OMIM 615981.
Retinitis pigmentosa 74 (RP74). Identifiers: Orphanet 791, MedGen C4225281, MONDO:0014692, OMIM 616562.

Allele frequency attached by ClinVar (database versions not stated): gnomAD 0.00001 and 0.00002; gnomAD exomes 0.00002; TOPMed 0.00002; 1000 Genomes Project 30x 0.00016; 1000 Genomes Project 0.00020.
gnomAD v4.1: 15 of 1,614,080 alleles (0.00093%); highest among the groups gnomAD compares: East Asian, 0.0045%; no homozygotes.

Submissions (4):

Labcorp Genetics (formerly Invitae), Labcorp
Classification: Likely benign for Bardet-Biedl syndrome. Last evaluated: 2025-08-20. Review status: criteria provided, single submitter. Criteria: Invitae Variant Classification Sherloc (09022015). Collection method: clinical testing. Allele origin: germline.

Fulgent Genetics
Classification: Likely benign for Bardet-Biedl syndrome 2; Retinitis pigmentosa 74. Last evaluated: 2021-12-09. Review status: criteria provided, single submitter. Criteria: ACMG Guidelines, 2015. Collection method: clinical testing. Allele origin: unknown.

Blueprint Genetics
Classification: Likely benign. Last evaluated: 2021-09-06. Review status: criteria provided, single submitter. Criteria: ACMG Guidelines, 2015. Collection method: clinical testing. Allele origin: germline.

PreventionGenetics, part of Exact Sciences
Classification: Likely benign for BBS2-related condition. Last evaluated: 2023-08-22. Review status: no assertion criteria provided. Collection method: clinical testing. Allele origin: germline. Not counted in ClinVar's aggregate classification.
Comment: This variant is classified as likely benign based on ACMG/AMP sequence variant interpretation guidelines (Richards et al. 2015 PMID: 25741868, with internal and published modifications).

NM_031885.5(BBS2):c.1530T>G (p.Val510=)

Gene: BBS2 (Bardet-Biedl syndrome 2; minus strand). Cytogenetic location: 16q13.
Variant type: single nucleotide variant.
Coding change: c.1530T>G on transcript NM_031885.5 (MANE Select); coding-DNA position 1530, T replaced by G.
Protein change: p.Val510=; no amino-acid change (valine 510 retained).
Molecular consequence: synonymous variant. On other transcripts: non-coding transcript variant (5).
Genome position (GRCh38, 1-based): chr16:56,498,566, A>C on the plus strand (T>G on the coding strand, the complement: BBS2 is on the minus strand). VCF-style: chr16-56498566-A-C. GRCh37 (hg19) VCF-style: chr16-56532478-A-C.
Other names: c.1530T>G, p.Val510= (NM_001377456.1); c.1530T>G (NM_031885.3).
Identifiers: ClinVar variation 1116418 (VCV001116418.12), dbSNP rs545597883, ClinGen allele CA281479211.